The following is an entry in ClinVar:

NM_001199107.2(TBC1D24):c.119G>A (p.Arg40His)

Gene: TBC1D24 (TBC1 domain family member 24; plus strand). Cytogenetic location: 16p13.3.
Variant type: single nucleotide variant.
Coding change: c.119G>A on transcript NM_001199107.2 (MANE Select); coding-DNA position 119, G replaced by A.
Protein change: p.Arg40His; replaces arginine 40 with histidine.
Molecular consequence: missense variant.
Genome position (GRCh38, 1-based): chr16:2,496,267, G>A. VCF-style: chr16-2496267-G-A. GRCh37 (hg19) VCF-style: chr16-2546268-G-A.
Other names: c.119G>A, p.Arg40His (NM_020705.3); short protein forms R40H.
Identifiers: ClinVar variation 856852 (VCV000856852.29), dbSNP rs760474458, ClinGen allele CA394374601.

ClinVar aggregate classification (germline): Pathogenic/Likely pathogenic. Review status: criteria provided, multiple submitters, no conflicts (2 of 4 stars). 3 submissions from 3 submitters: Pathogenic (1); Likely pathogenic (2). Last evaluated 2024-01-31.

Conditions:
Developmental and epileptic encephalopathy, 1 (DEE1). Also called: INFANTILE SPASM SYNDROME, X-LINKED 1; X-linked infantile spasms; West's syndrome; Tonic spasms with clustering, arrest of psychomotor development and hypsarrhythmia on EEG; X-Linked Infantile Spasm Syndrome; OHTAHARA SYNDROME, X-LINKED. Identifiers: MedGen C3463992, MONDO:0010632, OMIM 308350. Disease mechanism: loss of function.
Autosomal dominant nonsyndromic hearing loss 65. Also called: TBC1D24-Related Autosomal Dominant Nonsyndromic Hearing Loss (DFNA); Deafness, autosomal dominant 65. Identifiers: Orphanet 90635, MedGen C3892048, MONDO:0014470, OMIM 616044.
Caused by mutation in the TBC1 domain family, member 24.
Abnormality of the nervous system. Also called: Congenital nervous system disorder. Identifiers: MedGen C0497552, MONDO:0002320, HP:0000707.

gnomAD v4.1: 6 of 1,613,774 alleles (0.00037%); highest among the groups gnomAD compares: East Asian, 0.0045%; no homozygotes.

Submissions (3):

GeneDx
Classification: Likely pathogenic. Last evaluated: 2024-01-31. Review status: criteria provided, single submitter. Criteria: GeneDx Variant Classification Process June 2021. Collection method: clinical testing. Allele origin: germline. Affected: yes.
Comment: Not observed at significant frequency in large population cohorts (gnomAD); In silico analysis supports that this missense variant has a deleterious effect on protein structure/function; This variant is associated with the following publications: (PMID: 30180405, 31112829, 33333793, 34120799)

Labcorp Genetics (formerly Invitae), Labcorp
Classification: Pathogenic for Developmental and epileptic encephalopathy, 1; Autosomal dominant nonsyndromic hearing loss 65. Last evaluated: 2022-03-29. Review status: criteria provided, single submitter. Criteria: Invitae Variant Classification Sherloc (09022015). Collection method: clinical testing. Allele origin: germline.
Comment: This sequence change replaces arginine, which is basic and polar, with histidine, which is basic and polar, at codon 40 of the TBC1D24 protein (p.Arg40His). This variant is present in population databases (no rsID available, gnomAD 0.006%). This missense change has been observed in individual(s) with clinical features of DOORS syndrome (PMID: 31112829, 33333793; Invitae). In at least one individual the data is consistent with being in trans (on the opposite chromosome) from a pathogenic variant. ClinVar contains an entry for this variant (Variation ID: 856852). Advanced modeling of protein sequence and biophysical properties (such as structural, functional, and spatial information, amino acid conservation, physicochemical variation, residue mobility, and thermodynamic stability) performed at Invitae indicates that this missense variant is expected to disrupt TBC1D24 protein function. This variant disrupts the p.Arg40 amino acid residue in TBC1D24. Other variant(s) that disrupt this residue have been determined to be pathogenic (PMID: 24291220, 27669036, 31257402; Invitae). This suggests that this residue is clinically significant, and that variants that disrupt this residue are likely to be disease-causing. For these reasons, this variant has been classified as Pathogenic.

Kariminejad - Najmabadi Pathology & Genetics Center
Classification: Likely pathogenic for Abnormality of the nervous system. Last evaluated: 2021-07-10. Review status: criteria provided, single submitter. Criteria: ACMG Guidelines, 2015. Collection method: clinical testing. Allele origin: germline. Affected: yes.

Literature cited by the submitters: PubMed 31112829 (cited by Labcorp Genetics (formerly Invitae), Labcorp); PubMed 33333793 (cited by Labcorp Genetics (formerly Invitae), Labcorp); PubMed 24291220 (cited by Labcorp Genetics (formerly Invitae), Labcorp); PubMed 27669036 (cited by Labcorp Genetics (formerly Invitae), Labcorp); PubMed 31257402 (cited by Labcorp Genetics (formerly Invitae), Labcorp).